The following is an entry in ClinVar:

ClinVar aggregate classification (germline): Uncertain significance. Review status: criteria provided, multiple submitters, no conflicts (2 of 4 stars). 2 submissions from 2 submitters: Uncertain significance (2). Last evaluated 2024-02-01.

Conditions:
Autosomal dominant nonsyndromic hearing loss 1. Also called: KONIGSMARK SYNDROME; DEAFNESS, AUTOSOMAL DOMINANT 1, WITH OR WITHOUT THROMBOCYTOPENIA. Identifiers: Orphanet 90635, MedGen C1852282, MONDO:0007424, OMIM 124900.
Progressive microcephaly-seizures-cortical blindness-developmental delay syndrome. Also called: Seizures, cortical blindness, and microcephaly syndrome. Identifiers: Orphanet 477814, MedGen C5567650, MONDO:0014714, OMIM 616632.
Inborn genetic diseases. Identifiers: MedGen C0950123, MeSH D030342.

Allele frequency attached by ClinVar (database versions not stated): ExAC 0.00001.

Submissions (2):

Labcorp Genetics (formerly Invitae), Labcorp
Classification: Uncertain significance for Progressive microcephaly-seizures-cortical blindness-developmental delay syndrome; Autosomal dominant nonsyndromic hearing loss 1. Last evaluated: 2024-02-01. Review status: criteria provided, single submitter. Criteria: Invitae Variant Classification Sherloc (09022015). Collection method: clinical testing. Allele origin: germline.
Comment: This sequence change replaces serine, which is neutral and polar, with leucine, which is neutral and non-polar, at codon 1235 of the DIAPH1 protein (p.Ser1235Leu). This variant is present in population databases (rs761387295, gnomAD 0.0008%). This variant has not been reported in the literature in individuals affected with DIAPH1-related conditions. ClinVar contains an entry for this variant (Variation ID: 2355083). Algorithms developed to predict the effect of missense changes on protein structure and function output the following: SIFT: "Not Available"; PolyPhen-2: "Benign"; Align-GVGD: "Not Available". The leucine amino acid residue is found in multiple mammalian species, which suggests that this missense change does not adversely affect protein function. In summary, the available evidence is currently insufficient to determine the role of this variant in disease. Therefore, it has been classified as a Variant of Uncertain Significance.

Ambry Genetics
Classification: Uncertain significance for Inborn genetic diseases. Last evaluated: 2022-12-28. Review status: criteria provided, single submitter. Criteria: Ambry Variant Classification Scheme 2023. Collection method: clinical testing. Allele origin: germline.

NM_005219.5(DIAPH1):c.3704C>T (p.Ser1235Leu)

Gene: DIAPH1 (diaphanous related formin 1; minus strand). Cytogenetic location: 5q31.3.
Variant type: single nucleotide variant.
Coding change: c.3704C>T on transcript NM_005219.5 (MANE Select); coding-DNA position 3704, C replaced by T.
Protein change: p.Ser1235Leu; replaces serine 1235 with leucine.
Molecular consequence: missense variant. On other transcripts: 3 prime UTR variant (1).
Genome position (GRCh38, 1-based): chr5:141,516,966, G>A on the plus strand (C>T on the coding strand, the complement: DIAPH1 is on the minus strand). VCF-style: chr5-141516966-G-A. GRCh37 (hg19) VCF-style: chr5-140896533-G-A.
Other names: c.3677C>T, p.Ser1226Leu (NM_001079812.3); c.*4C>T (NM_001314007.2); short protein forms S1235L, S1226L.
Identifiers: ClinVar variation 2355083 (VCV002355083.4), dbSNP rs761387295, ClinGen allele CA3478673.